The following is an entry in ClinVar:

NM_000536.4(RAG2):c.1309G>A (p.Glu437Lys)

Gene: RAG2 (recombination activating 2; minus strand). Cytogenetic location: 11p12.
Variant type: single nucleotide variant.
Coding change: c.1309G>A on transcript NM_000536.4 (MANE Select); coding-DNA position 1309, G replaced by A.
Protein change: p.Glu437Lys; replaces glutamic acid 437 with lysine.
Molecular consequence: missense variant.
Genome position (GRCh38, 1-based): chr11:36,592,860, C>T on the plus strand (G>A on the coding strand, the complement: RAG2 is on the minus strand). VCF-style: chr11-36592860-C-T. GRCh37 (hg19) VCF-style: chr11-36614410-C-T.
Other names: NM_000536.4(RAG2):c.1309G>A; c.1309G>A, p.Glu437Lys (NM_001243785.2, NM_001243786.2); short protein forms E437K.
Identifiers: ClinVar variation 36718 (VCV000036718.9), dbSNP rs193922573, ClinGen allele CA214215.

ClinVar aggregate classification (germline): Likely pathogenic. Review status: reviewed by expert panel (3 of 4 stars). 8 submissions from 8 submitters: Likely pathogenic (1). 7 of the submissions do not count toward it. Last evaluated 2024-04-01.

Conditions:
Recombinase activating gene 2 deficiency. Also called: RAG2 deficiency. Identifiers: MedGen CN257931, MONDO:0000573.
Atypical severe combined immunodeficiency due to complete RAG1/2 deficiency.
Inborn error of immunity. Also called: Primary immunodeficiency; Inborn errors of immunity. Identifiers: Orphanet 101997, MedGen C0398686, MONDO:0003778.
Combined immunodeficiency with skin granulomas. Identifiers: Orphanet 157949, MedGen C2673536, MONDO:0009306, OMIM 233650.
Histiocytic medullary reticulosis. Also called: Omenn syndrome; SEVERE COMBINED IMMUNODEFICIENCY WITH HYPEREOSINOPHILIA. Identifiers: Orphanet 39041, MedGen C2700553, MONDO:0011338, OMIM 603554.
Severe combined immunodeficiency, autosomal recessive, T cell-negative, B cell-negative, NK cell-positive. Also called: Severe combined immunodeficiency due to complete RAG1/2 deficiency; SCID, AR, T-cell negative, B-cell negative, NK cell-positive; SCID, T CELL-NEGATIVE, B CELL-NEGATIVE, NK CELL-POSITIVE. Identifiers: Orphanet 331206, MedGen C1832322, MONDO:0011086, OMIM 601457.

Allele frequency attached by ClinVar (database versions not stated): gnomAD 0.00001; gnomAD exomes 0.00001 and 0.00002; TOPMed 0.00001; ExAC 0.00002; ESP Exome Variant Server 0.00008.
gnomAD v4.1: 12 of 1,613,962 alleles (0.00074%); highest among the groups gnomAD compares: Non-Finnish European, 0.00025%; no homozygotes.

Submissions (8):

ClinGen Severe Combined Immunodeficiency Variant Curation Expert Panel, ClinGen
Classification: Likely pathogenic for Recombinase activating gene 2 deficiency. Last evaluated: 2024-04-01. Review status: reviewed by expert panel. Criteria: ClinGen SCID ACMG Specifications RAG2 V1.0.0. Collection method: curation. Allele origin: germline. Inheritance: Autosomal recessive inheritance.
Comment: The c.1309G>A (NM_000536.4) variant in RAG2 is a missense variant predicted to cause the substitution of Glutamic Acid by Lysine at amino acid 437 (p.Glu437Lys). The filtering allele frequency (the upper threshold of the 95% CI of 9/63722 alleles) of the c.1309G>A variant in RAG2 is 0.000001910 for European (non-Finnish) chromosomes by gnomAD v.4, which is lower than the ClinGen SCID VCEP threshold (<0.0000588) for PM2_Supporting, and therefore meets this criterion (PM2_Supporting). No homozygotes have been observed in gnomAD. This variant is located in the PHD domain, amino acids 414-487 of RAG2, which is defined as a critical functional domain by the ClinGen SCID VCEP (PMID: 26996199); PM1. The recombination activity assay showed activity of this variant compared to wildtype RAG2 is 0.9% (SEM 0.2), which is lower than the SCID VCEP threshold (<25%) for PS3_Moderate, meeting this criterion (PS3_Moderate, PMID 29772310). The patient presents: Diagnostic criteria for SCID/Leaky SCID/Omenn syndrome met 0.5 pts + T-B-NK+ lymphocyte subset profile 0.5 pts, total is 1 point, PP4 (PMID: 29772310). The same patient is a compound heterozygous for his variant and G35A, a pathogenic variant according to SCID VCEP specifications; 1 point, PM3. In summary, this variant meets the criteria to be classified as Likely Pathogenic for autosomal recessive recombinase activating gene 2 deficiency based on the ACMG/AMP criteria applied, as specified by the ClinGen SCID VCEP. Criteria applied: PM2_Supporting, PM1, PS3_Moderate, PP4, and PM3 (VCEP specifications version 1.0).

Myriad Genetics, Inc.
Classification: Likely pathogenic for Recombinase activating gene 2 deficiency. Last evaluated: 2026-01-27. Review status: criteria provided, single submitter. Criteria: Myriad Autosomal Dominant, Autosomal Recessive and X-Linked Classification Criteria (2023). Collection method: clinical testing. Allele origin: unknown. Not counted in ClinVar's aggregate classification.
Comment: NM_001243785.1(RAG2):c.1309G>A(E437K) is a missense variant classified as likely pathogenic in the context of severe combined immunodeficiency, RAG2-related. E437K has been observed in cases with relevant disease (PMID: 29772310, 30159811). Relevant functional assessments of this variant are available in the literature (PMID: 29772310). Internal structural analysis of the variant is supportive of pathogenicity. E437K has been observed in referenced population frequency databases. In summary, NM_001243785.1(RAG2):c.1309G>A(E437K) is a missense variant that has both functional and internal structural support for pathogenicity and has been observed more frequently in cases with the relevant disease than in healthy populations. Please note: this variant was assessed in the context of healthy population screening.

Natera, Inc.
Classification: Likely pathogenic for Omenn syndrome. Last evaluated: 2025-03-03. Review status: criteria provided, single submitter. Criteria: Natera Variant Classification Schema (03/2026). Collection method: clinical testing. Allele origin: germline. Not counted in ClinVar's aggregate classification.
Comment: The c.1309G>A variant in RAG2 is a missense variant predicted to cause substitution of glutamic acid to lysine at amino acid 437. This variant is rare in the general population with a frequency below the threshold expected for the associated phenotype(s). This variant has been observed in one or more individuals affected with the associated recessive disease, as either homozygous or compound heterozygous with a second variant (PMID: 29772310, 30159811). Functional studies show that this variant may disrupt protein function (PMID: 29772310). Computational prediction algorithms indicate this variant is likely to affect gene or protein function. Given the available evidence, this variant is classified as Likely Pathogenic.

Fulgent Genetics
Classification: Likely pathogenic for Combined immunodeficiency with skin granulomas; Severe combined immunodeficiency, autosomal recessive, T cell-negative, B cell-negative, NK cell-positive; Histiocytic medullary reticulosis. Last evaluated: 2024-06-04. Review status: criteria provided, single submitter. Criteria: ACMG Guidelines, 2015. Collection method: clinical testing. Allele origin: germline. Not counted in ClinVar's aggregate classification.

Baylor Genetics
Classification: Likely pathogenic for Combined immunodeficiency with skin granulomas. Last evaluated: 2023-02-21. Review status: criteria provided, single submitter. Criteria: ACMG Guidelines, 2015. Collection method: clinical testing. Allele origin: unknown. Not counted in ClinVar's aggregate classification.

Women's Health and Genetics/Laboratory Corporation of America, LabCorp
Classification: Uncertain significance. Last evaluated: 2018-05-10. Review status: criteria provided, single submitter. Criteria: LabCorp Variant Classification Summary - May 2015. Collection method: clinical testing. Allele origin: germline. Not counted in ClinVar's aggregate classification.
Comment: Variant summary: RAG2 c.1309G>A (p.Glu437Lys) results in a conservative amino acid change located in the Recombination activating protein 2 PHD domain (IPR025162) of the encoded protein sequence. Four of five in-silico tools predict a damaging effect of the variant on protein function. The variant allele was found at a frequency of 1.6e-05 in 246216 control chromosomes (gnomAD). This frequency is not significantly higher than expected for a pathogenic variant in RAG2 causing Severe Combined Immunodeficiency Syndrome (1.6e-05 vs 7.10e-04), allowing no conclusion about variant significance. The variant, c.1309G>A, has been reported in the literature and an unpublished report in individuals affected with Severe Combined Immunodeficiency Syndrome (Nicholas_2011, Dobbs_2017) as well as in a case of common variable immunodeficiency (CVID) (Yashar_2016). These data indicate that the variant may be associated with disease. To our knowledge, no experimental evidence demonstrating an impact on protein function has been reported. One clinical diagnostic laboratory has submitted clinical-significance assessments for this variant to ClinVar after 2014 without evidence for independent evaluation. One laboratory classified the variant as likely pathogenic. Based on the evidence outlined above, the variant was classified as VUS-possibly pathogenic.

Pediatric Immunology Service, The Chaim Sheba Medical Center at Tel HaShomer
Classification: Uncertain significance for RAG2 deficiency; Primary immunodeficiency; Atypical severe combined immunodeficiency due to complete RAG1/2 deficiency. Last evaluated: 2018-03-06. Review status: criteria provided, single submitter. Criteria: ACMG Guidelines, 2015. Collection method: research. Allele origin: germline. Affected: yes. Not counted in ClinVar's aggregate classification.

GeneDx
Classification: Likely pathogenic. Last evaluated: 2015-12-21. Review status: criteria provided, single submitter. Criteria: GeneDx Variant Classification (06012015). Collection method: clinical testing. Allele origin: germline. Affected: yes. Not counted in ClinVar's aggregate classification.
Comment: The E437K variant in the RAG2 gene has not been reported previously as a pathogenic variant, nor as a benign variant, to our knowledge. The E437K variant was not observed at any significant frequency in approximately 6500 individuals of European and African American ancestry in the NHLBI Exome Sequencing Project, indicating it is not a common benign variant in these populations. The E437K variant is a non-conservative amino acid substitution, which is likely to impact secondary protein structure as these residues differ in polarity, charge, size and/or other properties. This substitution occurs at a position that is conserved across species. In silico analysis predicts this variant is probably damaging to the protein structure/function. A missense variant in nearby residue (K440N) has been reported in the Human Gene Mutation Database in association with Omenn syndrome (Stenson et al., 2014), supporting the functional importance of this region of the protein. The E437K variant is a strong candidate for a pathogenic variant, however the possibility it may be a rare benign variant cannot be excluded.

Literature cited by the submitters: PubMed 29772310 (cited by Myriad Genetics, Inc. and Natera, Inc.); PubMed 30159811 (cited by Myriad Genetics, Inc. and Natera, Inc.); PubMed 27730413 (cited by Women's Health and Genetics/Laboratory Corporation of America, LabCorp); PubMed 28769923 (cited by Women's Health and Genetics/Laboratory Corporation of America, LabCorp).